The following is an entry in ClinVar:

NM_000393.5(COL5A2):c.4383C>G (p.Val1461=)

Gene: COL5A2 (collagen type V alpha 2 chain; minus strand). Cytogenetic location: 2q32.2.
Variant type: single nucleotide variant.
Coding change: c.4383C>G on transcript NM_000393.5 (MANE Select); coding-DNA position 4383, C replaced by G.
Protein change: p.Val1461=; no amino-acid change (valine 1461 retained).
Molecular consequence: synonymous variant.
Genome position (GRCh38, 1-based): chr2:189,034,187, G>C on the plus strand (C>G on the coding strand, the complement: COL5A2 is on the minus strand). VCF-style: chr2-189034187-G-C. GRCh37 (hg19) VCF-style: chr2-189898913-G-C.
Other names: c.4383C>G (NM_000393.4).
Identifiers: ClinVar variation 513408 (VCV000513408.54), dbSNP rs368234550, ClinGen allele CA62580434.

ClinVar aggregate classification (germline): Likely benign. Review status: criteria provided, multiple submitters, no conflicts (2 of 4 stars). 5 submissions from 5 submitters: Likely benign (4). 1 of the submissions does not count toward it. Last evaluated 2026-04-15.

Conditions:
COL5A2-related disorder. Also called: COL5A2-related condition.
Familial thoracic aortic aneurysm and aortic dissection (TAAD). Also called: Thoracic aortic aneurysms and dissections. Identifiers: Orphanet 91387, MedGen C4707243, MONDO:0019625.
Ehlers-Danlos syndrome, classic type, 1 (EDSCL1). Also called: Ehlers-Danlos Syndrome, Classic Type, COL5A1-Related; EDS I; Ehlers-Danlos syndrome, type 1; EHLERS-DANLOS SYNDROME, GRAVIS TYPE; EHLERS-DANLOS SYNDROME, SEVERE CLASSIC TYPE. Identifiers: MedGen C0268335, MONDO:0019567, OMIM 130000.

Allele frequency attached by ClinVar (database versions not stated): gnomAD exomes 0.00001 and 0.00002; gnomAD 0.00002 and 0.00007; TOPMed 0.00011; ESP Exome Variant Server 0.00008.
gnomAD v4.1: 21 of 1,613,856 alleles (0.0013%); highest among the groups gnomAD compares: Non-Finnish European, 0.0012%; no homozygotes.

Submissions (5):

Women's Health and Genetics/Laboratory Corporation of America, LabCorp
Classification: Likely benign. Last evaluated: 2026-04-15. Review status: criteria provided, single submitter. Criteria: LabCorp Variant Classification Summary - May 2015. Collection method: clinical testing. Allele origin: germline.

Labcorp Genetics (formerly Invitae), Labcorp
Classification: Likely benign for Ehlers-Danlos syndrome, classic type, 1. Last evaluated: 2026-01-18. Review status: criteria provided, single submitter. Criteria: Invitae Variant Classification Sherloc (09022015). Collection method: clinical testing. Allele origin: germline.

Ambry Genetics
Classification: Likely benign for Familial thoracic aortic aneurysm and aortic dissection. Last evaluated: 2019-10-07. Review status: criteria provided, single submitter. Criteria: Ambry Variant Classification Scheme 2023. Collection method: clinical testing. Allele origin: germline.

GeneDx
Classification: Likely benign. Last evaluated: 2017-11-21. Review status: criteria provided, single submitter. Criteria: GeneDx Variant Classification (06012015). Collection method: clinical testing. Allele origin: germline. Affected: yes.
Comment: This variant is considered likely benign or benign based on one or more of the following criteria: it is a conservative change, it occurs at a poorly conserved position in the protein, it is predicted to be benign by multiple in silico algorithms, and/or has population frequency not consistent with disease.

PreventionGenetics, part of Exact Sciences
Classification: Likely benign for COL5A2-related condition. Last evaluated: 2021-04-26. Review status: no assertion criteria provided. Collection method: clinical testing. Allele origin: germline. Not counted in ClinVar's aggregate classification.
Comment: This variant is classified as likely benign based on ACMG/AMP sequence variant interpretation guidelines (Richards et al. 2015 PMID: 25741868, with internal and published modifications).